The following is an entry in ClinVar:

NM_004415.4(DSP):c.3089A>G (p.Lys1030Arg)

Gene: DSP (desmoplakin; plus strand). Cytogenetic location: 6p24.3.
Variant type: single nucleotide variant.
Coding change: c.3089A>G on transcript NM_004415.4 (MANE Select); coding-DNA position 3089, A replaced by G.
Protein change: p.Lys1030Arg; replaces lysine 1030 with arginine.
Molecular consequence: missense variant.
Genome position (GRCh38, 1-based): chr6:7,579,279, A>G. VCF-style: chr6-7579279-A-G. GRCh37 (hg19) VCF-style: chr6-7579512-A-G.
Other names: c.3089A>G, p.Lys1030Arg (NM_001008844.3, NM_001319034.2); short protein forms K1030R.
Identifiers: ClinVar variation 4614042 (VCV004614042.1).

ClinVar aggregate classification (germline): Uncertain significance (1 of 4 stars; one submission).

Conditions:
Cardiovascular phenotype. Identifiers: MedGen CN230736.

Submission:

Ambry Genetics
Classification: Uncertain significance for Cardiovascular phenotype. Last evaluated: 2025-11-10. Review status: criteria provided, single submitter. Criteria: Ambry Variant Classification Scheme 2023. Collection method: clinical testing. Allele origin: germline.
Comment: The p.K1030R variant (also known as c.3089A>G), located in coding exon 23 of the DSP gene, results from an A to G substitution at nucleotide position 3089. The lysine at codon 1030 is replaced by arginine, an amino acid with highly similar properties. This amino acid position is conserved. In addition, this alteration is predicted to be tolerated by in silico analysis. Based on the available evidence, the clinical significance of this variant remains unclear.